The following is an entry in ClinVar:

NM_021830.5(TWNK):c.30C>G (p.Pro10=)

Gene: TWNK (twinkle mtDNA helicase; plus strand). Cytogenetic location: 10q24.31.
Variant type: single nucleotide variant.
Coding change: c.30C>G on transcript NM_021830.5 (MANE Select); coding-DNA position 30, C replaced by G.
Protein change: p.Pro10=; no amino-acid change (proline 10 retained).
Molecular consequence: synonymous variant. On other transcripts: non-coding transcript variant (4), intron variant (3).
Genome position (GRCh38, 1-based): chr10:100,988,240, C>G. VCF-style: chr10-100988240-C-G. GRCh37 (hg19) VCF-style: chr10-102747997-C-G.
Other names: c.30C>G, p.Pro10= (NM_001163812.2); c.-120+627C>G (NM_001163814.2, NM_001163813.2); c.-58+627C>G (NM_001368275.1).
Identifiers: ClinVar variation 772439 (VCV000772439.9), dbSNP rs759909116, ClinGen allele CA5653006.
Genomic context (GRCh38, chr10:100,988,240, plus strand): 5'-TCAAGTAGTGACTTCCCACATTTGGCTAGGAATGTGGGTCCTCCTCCGAAGTGGGTACCC[C>G]CTCCGTATCTTGTTACCCCTGCGTGGGGAGTGGATGGGTCGGAGGGGCCTGCCCCGAAAC-3'
Protein context (NP_068602.2, residues 1-20): MWVLLRSGY[Pro10=]LRILLPLRGE

ClinVar aggregate classification (germline): Likely benign. Review status: criteria provided, multiple submitters, no conflicts (2 of 4 stars). 2 submissions from 2 submitters: Likely benign (2). Last evaluated 2025-12-02.

Conditions:
TWNK-related disorder. Also called: TWNK-related condition.

Allele frequency attached by ClinVar (database versions not stated): gnomAD 0.00001; TOPMed 0.00003.
gnomAD v4.1: 28 of 1,614,084 alleles (0.0017%); highest among the groups gnomAD compares: South Asian, 0.021%; 1 homozygote.

Submissions (2):

PreventionGenetics, part of Exact Sciences
Classification: Likely benign for TWNK-related condition. Last evaluated: 2025-12-02. Review status: criteria provided, single submitter. Criteria: ACMG Guidelines, 2015. Collection method: clinical testing. Allele origin: germline.
Comment: This variant is classified as likely benign based on ACMG/AMP sequence variant interpretation guidelines (Richards et al. 2015 PMID: 25741868, with internal and published modifications).

Labcorp Genetics (formerly Invitae), Labcorp
Classification: Likely benign. Last evaluated: 2025-10-14. Review status: criteria provided, single submitter. Criteria: Invitae Variant Classification Sherloc (09022015). Collection method: clinical testing. Allele origin: germline.